The following is an entry in ClinVar:

ClinVar aggregate classification (germline): Uncertain significance (1 of 4 stars; one submission).

Conditions:
Hypotonia, infantile, with psychomotor retardation and characteristic facies 2 (IHPRF2). Also called: UNC80 Deficiency. Identifiers: Orphanet 371364, Orphanet 700333, MedGen C4225203, MONDO:0014777, OMIM 616801.

Allele frequency attached by ClinVar (database versions not stated): gnomAD exomes below 0.00001 and 0.00002; ExAC 0.00005.
gnomAD v4.1: 6 of 1,550,934 alleles (0.00039%); highest among the groups gnomAD compares: South Asian, 0.0024%; no homozygotes.

Submission:

Breda Genetics srl
Classification: Uncertain significance for Hypotonia, infantile, with psychomotor retardation and characteristic facies 2. Last evaluated: 2021-05-21. Review status: criteria provided, single submitter. Criteria: ACMG Guidelines, 2015. Collection method: clinical testing. Allele origin: germline. Inheritance: Autosomal recessive inheritance. Affected: yes. Observed: 1 variant allele, 1 heterozygote.
Comment: The variant c.7217C>T (p.Thr2406Met) in the UNC80 gene is reported with an estimated allele frequency of 0.0000192 in gnomAD exomes, with no homozygous individuals reported. The nucleotide position is conserved across 35 mammalian species (GERP RS: 4.98). In silico analysis mostly indicates that the variant might be damaging.

NM_001371986.1(UNC80):c.7415C>T (p.Thr2472Met)

Gene: UNC80 (unc-80 subunit of NALCN channel complex; plus strand). Cytogenetic location: 2q34.
Variant type: single nucleotide variant.
Coding change: c.7415C>T on transcript NM_001371986.1 (MANE Select); coding-DNA position 7415, C replaced by T.
Protein change: p.Thr2472Met; replaces threonine 2472 with methionine.
Molecular consequence: missense variant.
Genome position (GRCh38, 1-based): chr2:209,954,228, C>T. VCF-style: chr2-209954228-C-T. GRCh37 (hg19) VCF-style: chr2-210818952-C-T.
Other names: c.7217C>T, p.Thr2406Met (NM_032504.2); c.7202C>T, p.Thr2401Met (NM_182587.4); short protein forms T2401M, T2406M, T2472M.
Identifiers: ClinVar variation 1299420 (VCV001299420.1), dbSNP rs753979355, ClinGen allele CA2083469.